The following is an entry in ClinVar:

NM_000103.4(CYP19A1):c.1263+1G>T

Genes: CYP19A1 (cytochrome P450 family 19 subfamily A member 1; minus strand), PIRC66 (piwi-interacting RNA cluster 66; plus strand), MIR4713HG (MIR4713 host gene; plus strand). Cytogenetic location: 15q21.2.
Variant type: single nucleotide variant.
Coding change: c.1263+1G>T on transcript NM_000103.4 (MANE Select); the canonical splice donor site of the intron after coding-DNA position 1263, G replaced by T.
Molecular consequence: splice donor variant.
Genome position (GRCh38, 1-based): chr15:51,212,319, C>A on the plus strand (G>T on the coding strand, the complement: CYP19A1 is on the minus strand). VCF-style: chr15-51212319-C-A. GRCh37 (hg19) VCF-style: chr15-51504516-C-A.
Other names: c.1263+1G>T (NM_031226.3, NM_001347248.1, NM_001347249.2 and 7 more transcripts).
Identifiers: ClinVar variation 930859 (VCV000930859.7), dbSNP rs2031075939, ClinGen allele CA392424514.

ClinVar aggregate classification (germline): Pathogenic/Likely pathogenic. Review status: criteria provided, multiple submitters, no conflicts (2 of 4 stars). 3 submissions from 3 submitters: Pathogenic (1); Likely pathogenic (2). Last evaluated 2023-08-24.

Conditions:
Aromatase deficiency. Also called: Increased aromatase activity; PSEUDOHERMAPHRODITISM, FEMALE, DUE TO PLACENTAL AROMATASE DEFICIENCY. Identifiers: Orphanet 91, MedGen C1960539, MONDO:0013301, OMIM 613546.

gnomAD v4.1: 3 of 1,593,964 alleles (0.00019%); highest among the groups gnomAD compares: Non-Finnish European, 0.00026%; no homozygotes.

Submissions (3):

Labcorp Genetics (formerly Invitae), Labcorp
Classification: Pathogenic. Last evaluated: 2023-08-24. Review status: criteria provided, single submitter. Criteria: Invitae Variant Classification Sherloc (09022015). Collection method: clinical testing. Allele origin: germline.
Comment: Variants that disrupt the consensus splice site are a relatively common cause of aberrant splicing (PMID: 17576681, 9536098). Algorithms developed to predict the effect of sequence changes on RNA splicing suggest that this variant may disrupt the consensus splice site. ClinVar contains an entry for this variant (Variation ID: 930859). Disruption of this splice site has been observed in individuals with aromatase deficiency (PMID: 29324451, 33108086). This variant is not present in population databases (gnomAD no frequency). This sequence change affects a donor splice site in intron 10 of the CYP19A1 gene. While this variant is not anticipated to result in nonsense mediated decay, it likely alters RNA splicing and results in a disrupted protein product. This variant disrupts a region of the CYP19A1 protein in which other variant(s) (p.Arg435Cys) have been determined to be pathogenic (PMID: 8265607, 17164303, 23329769, 27256151). This suggests that this is a clinically significant region of the protein, and that variants that disrupt it are likely to be disease-causing. For these reasons, this variant has been classified as Pathogenic.

3billion
Classification: Likely pathogenic for Aromatase deficiency. Last evaluated: 2022-09-01. Review status: criteria provided, single submitter. Criteria: ACMG Guidelines, 2015. Collection method: clinical testing. Allele origin: germline. Affected: yes. Observed: 1 homozygote.
Comment: The variant is not observed in the gnomAD v2.1.1 dataset. The variant on the canonical splice site is predicted to alter splicing, resulting in a loss or disruption of normal protein function. The predicted truncated protein may be shortened by more than 10%. The homozygous variant has been reported to be associated with CYP19A1-related disorder (ClinVar ID: VCV000930859). Therefore, this variant is classified as Likely pathogenic according to the recommendation of ACMG/AMP guideline.

Centre for Mendelian Genomics, University Medical Centre Ljubljana
Classification: Likely pathogenic for Aromatase deficiency. Last evaluated: 2020-02-13. Review status: criteria provided, single submitter. Criteria: ACMG Guidelines, 2015. Collection method: clinical testing. Allele origin: unknown. Affected: yes.
Comment: This variant was classified as: Likely pathogenic. The following ACMG criteria were applied in classifying this variant: PVS1,PM2.

Literature cited by the submitters: PubMed 17576681 (cited by Labcorp Genetics (formerly Invitae), Labcorp); PubMed 9536098 (cited by Labcorp Genetics (formerly Invitae), Labcorp); PubMed 29324451 (cited by Labcorp Genetics (formerly Invitae), Labcorp); PubMed 33108086 (cited by Labcorp Genetics (formerly Invitae), Labcorp); PubMed 8265607 (cited by Labcorp Genetics (formerly Invitae), Labcorp); PubMed 17164303 (cited by Labcorp Genetics (formerly Invitae), Labcorp); PubMed 23329769 (cited by Labcorp Genetics (formerly Invitae), Labcorp); PubMed 27256151 (cited by Labcorp Genetics (formerly Invitae), Labcorp).